The following is an entry in ClinVar:

NM_000349.3(STAR):c.465+2T>C

Gene: STAR (steroidogenic acute regulatory protein; minus strand). Cytogenetic location: 8p11.23.
Variant type: single nucleotide variant.
Coding change: c.465+2T>C on transcript NM_000349.3 (MANE Select); the canonical splice donor site of the intron after coding-DNA position 465, T replaced by C.
Molecular consequence: splice donor variant.
Genome position (GRCh38, 1-based): chr8:38,146,287, A>G on the plus strand (T>C on the coding strand, the complement: STAR is on the minus strand). VCF-style: chr8-38146287-A-G. GRCh37 (hg19) VCF-style: chr8-38003805-A-G.
Other names: c.465+2T>C (NM_000349.2).
Identifiers: ClinVar variation 1428946 (VCV001428946.10), dbSNP rs777876822, ClinGen allele CA4715244.

ClinVar aggregate classification (germline): Pathogenic/Likely pathogenic. Review status: criteria provided, multiple submitters, no conflicts (2 of 4 stars). 3 submissions from 3 submitters: Pathogenic (2); Likely pathogenic (1). Last evaluated 2024-06-05.

Conditions:
Congenital lipoid adrenal hyperplasia due to STAR deficency. Also called: Cholesterol monooxygenase (side-chain cleaving) deficiency; Congenital Lipoid Adrenal Hyperplasia; ADRENAL HYPERPLASIA I; Lipoid adrenal hyperplasia. Identifiers: Orphanet 418, Orphanet 90790, MedGen C0342474, MONDO:0008725, OMIM 201710.

Allele frequency attached by ClinVar (database versions not stated): gnomAD exomes below 0.00001 and 0.00001; gnomAD 0.00001 and 0.00002; ExAC 0.00002.

Submissions (3):

Natera, Inc.
Classification: Pathogenic for Congenital lipoid adrenal hyperplasia. Last evaluated: 2024-06-05. Review status: criteria provided, single submitter. Criteria: Natera Variant Classification Schema (03/2026). Collection method: clinical testing. Allele origin: germline.
Comment: The c.465+2T>C variant in STAR is a canonical splice donor site variant predicted to affect pre-mRNA splicing, which may result in an abnormal transcript and altered protein product. This variant is expected to result in nonsense mediated decay, truncation, or a dysfunctional protein product. This variant is rare in the general population with a frequency below the threshold expected for the associated phenotype(s). Another variant at this same site results in an alteration predicted to cause a similar molecular effect has been observed in individual(s) with the associated phenotype. Given the available evidence, this variant is classified as Pathogenic.

Fulgent Genetics
Classification: Likely pathogenic for Congenital lipoid adrenal hyperplasia due to STAR deficency. Last evaluated: 2024-05-08. Review status: criteria provided, single submitter. Criteria: ACMG Guidelines, 2015. Collection method: clinical testing. Allele origin: germline.

Labcorp Genetics (formerly Invitae), Labcorp
Classification: Pathogenic. Last evaluated: 2024-03-02. Review status: criteria provided, single submitter. Criteria: Invitae Variant Classification Sherloc (09022015). Collection method: clinical testing. Allele origin: germline.
Comment: This sequence change affects a donor splice site in intron 4 of the STAR gene. It is expected to disrupt RNA splicing. Variants that disrupt the donor or acceptor splice site typically lead to a loss of protein function (PMID: 16199547), and loss-of-function variants in STAR are known to be pathogenic (PMID: 8948562). This variant is present in population databases (rs777876822, gnomAD 0.01%). Disruption of this splice site has been observed in individual(s) with lipoid congenital adrenal hyperplasia (PMID: 26014698, 26827627). In at least one individual the data is consistent with being in trans (on the opposite chromosome) from a pathogenic variant. ClinVar contains an entry for this variant (Variation ID: 1428946). Algorithms developed to predict the effect of sequence changes on RNA splicing suggest that this variant may disrupt the consensus splice site. For these reasons, this variant has been classified as Pathogenic.

Literature cited by the submitters: PubMed 16199547 (cited by Labcorp Genetics (formerly Invitae), Labcorp); PubMed 8948562 (cited by Labcorp Genetics (formerly Invitae), Labcorp); PubMed 26014698 (cited by Labcorp Genetics (formerly Invitae), Labcorp); PubMed 26827627 (cited by Labcorp Genetics (formerly Invitae), Labcorp).